The following is an entry in ClinVar:

ClinVar aggregate classification (germline): Benign/Likely benign. Review status: criteria provided, multiple submitters, no conflicts (2 of 4 stars). 3 submissions from 3 submitters: Benign (1); Likely benign (2). Last evaluated 2025-04-08.

Conditions:
Hereditary cancer-predisposing syndrome. Also called: Neoplastic Syndromes, Hereditary; Tumor predisposition; Hereditary neoplastic syndrome; Hereditary Cancer Syndrome. Identifiers: Orphanet 140162, MedGen C0027672, MeSH D009386, MONDO:0015356.
Tuberous sclerosis syndrome (TSC). Also called: Tuberous sclerosis; Tuberous Sclerosis Complex. Identifiers: Orphanet 805, MedGen C0041341, MONDO:0001734.
Tuberous sclerosis 1 (TSC1). Identifiers: Orphanet 805, MedGen C1854465, MONDO:0008612, OMIM 191100.

Submissions (3):

Myriad Genetics, Inc.
Classification: Benign for Tuberous sclerosis 1. Last evaluated: 2025-04-08. Review status: criteria provided, single submitter. Criteria: Myriad Autosomal Dominant, Autosomal Recessive and X-Linked Classification Criteria (2023). Collection method: clinical testing. Allele origin: unknown.
Comment: This variant is considered benign. This variant is a silent/synonymous amino acid change and it is not expected to impact splicing.

All of Us Research Program, National Institutes of Health
Classification: Likely benign for Tuberous sclerosis syndrome. Last evaluated: 2024-04-16. Review status: criteria provided, single submitter. Criteria: ACMG Guidelines, 2015. Collection method: clinical testing. Allele origin: germline. Inheritance: Autosomal dominant inheritance. Observed: 1 variant allele, 1 heterozygote.
Comment: This study involves interpretation of variants in research participants for the purpose of population health screening. Participant phenotype was not available at the time of variant classification. Additional details can be found in publication PMID: 35346344, PMCID: PMC8962531

Ambry Genetics
Classification: Likely benign for Hereditary cancer-predisposing syndrome. Last evaluated: 2021-10-31. Review status: criteria provided, single submitter. Criteria: Ambry Variant Classification Scheme 2023. Collection method: clinical testing. Allele origin: germline.

NM_000368.5(TSC1):c.252C>T (p.Ala84=)

Gene: TSC1 (TSC complex subunit 1; minus strand). Cytogenetic location: 9q34.13.
Variant type: single nucleotide variant.
Coding change: c.252C>T on transcript NM_000368.5 (MANE Select); coding-DNA position 252, C replaced by T.
Protein change: p.Ala84=; no amino-acid change (alanine 84 retained).
Molecular consequence: synonymous variant. On other transcripts: 5 prime UTR variant (18), non-coding transcript variant (5), intron variant (5).
Genome position (GRCh38, 1-based): chr9:132,925,698, G>A on the plus strand (C>T on the coding strand, the complement: TSC1 is on the minus strand). VCF-style: chr9-132925698-G-A. GRCh37 (hg19) VCF-style: chr9-135801085-G-A.
Other names: c.252C>T, p.Ala84= (NM_001162426.2, NM_001406592.1, NM_001406593.1 and 16 more transcripts); c.-112C>T (NM_001362177.2, NM_001406617.1, NM_001406618.1 and 5 more transcripts); c.-204C>T (NM_001406614.1, NM_001406616.1, NM_001406624.1); c.-237C>T (NM_001406615.1, NM_001406623.1); c.-626C>T (NM_001406626.1, NM_001406627.1, NM_001406628.1); c.-768C>T (NM_001406629.1); c.-842C>T (NM_001406630.1); c.210+1503C>T (NM_001406613.1, NM_001406612.1, NM_001406610.1 and 2 more transcripts).
Identifiers: ClinVar variation 1792653 (VCV001792653.4), dbSNP rs2132236617, ClinGen allele CA467594216.